The following is an entry in ClinVar:

ClinVar aggregate classification (germline): Pathogenic (1 of 4 stars; one submission).

Conditions:
Ehlers-Danlos syndrome, classic type, 1 (EDSCL1). Also called: EHLERS-DANLOS SYNDROME, GRAVIS TYPE; EHLERS-DANLOS SYNDROME, SEVERE CLASSIC TYPE; EDS I; Ehlers-Danlos Syndrome, Classic Type, COL5A1-Related; Ehlers-Danlos syndrome, type 1. Identifiers: MedGen C0268335, MONDO:0019567, OMIM 130000.

Submission:

Labcorp Genetics (formerly Invitae), Labcorp
Classification: Pathogenic for Ehlers-Danlos syndrome, classic type, 1. Last evaluated: 2020-02-18. Review status: criteria provided, single submitter. Criteria: Invitae Variant Classification Sherloc (09022015). Collection method: clinical testing. Allele origin: germline.
Comment: Loss-of-function variants in COL5A1 are known to be pathogenic (PMID: 23587214). This variant has not been reported in the literature in individuals with COL5A1-related conditions. This variant is not present in population databases (ExAC no frequency). This sequence change creates a premature translational stop signal (p.Phe1612Leufs*8) in the COL5A1 gene. It is expected to result in an absent or disrupted protein product. For these reasons, this variant has been classified as Pathogenic.

Literature cited by the submitters: PubMed 23587214.

NM_000093.5(COL5A1):c.4836_4854del (p.Phe1612fs)

Genes: COL5A1 (collagen type V alpha 1 chain; plus strand), LOC101448202 (uncharacterized LOC101448202; minus strand). Cytogenetic location: 9q34.3.
Variant type: Deletion.
Coding change: c.4836_4854del on transcript NM_000093.5 (MANE Select); coding-DNA positions 4836 to 4854, 19 bases deleted (CGGCTCTCTCAACTCTCTG).
Protein change: p.Phe1612fs; shifts the reading frame from phenylalanine 1612.
Molecular consequence: frameshift variant.
Genome position (GRCh38, 1-based): chr9:134,824,737-134,824,755, CGGCTCTCTCAACTCTCTG deleted. VCF-style (leftmost placement, unchanged base first): chr9-134824736-TCGGCTCTCTCAACTCTCTG-T. GRCh37 (hg19) VCF-style: chr9-137716582-TCGGCTCTCTCAACTCTCTG-T.
Other names: c.4836_4854del, p.Phe1612fs (NM_001278074.1); short protein forms F1612fs.
Identifiers: ClinVar variation 1075434 (VCV001075434.46), dbSNP rs2132884146, ClinGen allele CA2499219771.
Genomic context (GRCh38, chr9:134,824,736, plus strand): 5'-TGCTGGACGACGGGAATGGCGAGAACTACGTGGACTACGCGGACGGCATGGAAGAGATCT[TCGGCTCTCTCAACTCTCTG>T]AAGCTGGAGATTGAGCAGATGAAACGGCCCCTGGGCACGCAGCAGAACCCCGCCCGCACC-3'